The following is an entry in ClinVar:

ClinVar aggregate classification (germline): Uncertain significance. Review status: criteria provided, multiple submitters, no conflicts (2 of 4 stars). 2 submissions from 2 submitters: Uncertain significance (2). Last evaluated 2026-05-11.

Conditions:
Inborn genetic diseases. Identifiers: MedGen C0950123, MeSH D030342.
Glucose-6-phosphate transport defect (GSD1B). Also called: GSD Ib; Glycogen Storage Disease Type Ib. Identifiers: Orphanet 364, Orphanet 79259, MedGen C0268146, MONDO:0009288, OMIM 232220.

Allele frequency attached by ClinVar (database versions not stated): gnomAD 0.00001; TOPMed 0.00001.

Submissions (2):

Ambry Genetics
Classification: Uncertain significance for Inborn genetic diseases. Last evaluated: 2026-05-11. Review status: criteria provided, single submitter. Criteria: Ambry Variant Classification Scheme 2023. Collection method: clinical testing. Allele origin: germline.

Labcorp Genetics (formerly Invitae), Labcorp
Classification: Uncertain significance for Glucose-6-phosphate transport defect. Last evaluated: 2023-01-20. Review status: criteria provided, single submitter. Criteria: Invitae Variant Classification Sherloc (09022015). Collection method: clinical testing. Allele origin: germline.
Comment: In summary, the available evidence is currently insufficient to determine the role of this variant in disease. Therefore, it has been classified as a Variant of Uncertain Significance. Advanced modeling of protein sequence and biophysical properties (such as structural, functional, and spatial information, amino acid conservation, physicochemical variation, residue mobility, and thermodynamic stability) performed at Invitae indicates that this missense variant is expected to disrupt SLC37A4 protein function. This variant has not been reported in the literature in individuals affected with SLC37A4-related conditions. This variant is present in population databases (no rsID available, gnomAD 0.007%). This sequence change replaces leucine, which is neutral and non-polar, with serine, which is neutral and polar, at codon 44 of the SLC37A4 protein (p.Leu44Ser).

NM_001164277.2(SLC37A4):c.131T>C (p.Leu44Ser)

Gene: SLC37A4 (solute carrier family 37 member 4; minus strand). Cytogenetic location: 11q23.3.
Variant type: single nucleotide variant.
Coding change: c.131T>C on transcript NM_001164277.2 (MANE Select); coding-DNA position 131, T replaced by C.
Protein change: p.Leu44Ser; replaces leucine 44 with serine.
Molecular consequence: missense variant. On other transcripts: intron variant (1).
Genome position (GRCh38, 1-based): chr11:119,029,239, A>G on the plus strand (T>C on the coding strand, the complement: SLC37A4 is on the minus strand). VCF-style: chr11-119029239-A-G. GRCh37 (hg19) VCF-style: chr11-118899949-A-G.
Other names: c.131T>C, p.Leu44Ser (NM_001164278.2, NM_001164280.2, NM_001467.6); c.-172+153T>C (NM_001164279.2); short protein forms L44S.
Identifiers: ClinVar variation 2883697 (VCV002883697.4), dbSNP rs1006211844, ClinGen allele CA229600876.